The following is an entry in ClinVar:

ClinVar aggregate classification (germline): Uncertain significance (1 of 4 stars; one submission).

Conditions:
Majeed syndrome (MJDS). Also called: LPIN2-Related Majeed Syndrome; CHRONIC RECURRENT MULTIFOCAL OSTEOMYELITIS 1, WITH CONGENITAL DYSERYTHROPOIETIC ANEMIA, WITH OR WITHOUT NEUTROPHILIC DERMATOSIS. Identifiers: Orphanet 77297, MedGen C1864997, MONDO:0012316, OMIM 609628.

Allele frequency attached by ClinVar (database versions not stated): ExAC 0.00001; gnomAD 0.00001 and 0.00002; TOPMed 0.00001; 1000 Genomes Project 30x 0.00016; 1000 Genomes Project 0.00020.
gnomAD v4.1: 3 of 1,614,036 alleles (0.00019%); highest among the groups gnomAD compares: African/African-American, 0.004%; no homozygotes.

Submission:

Labcorp Genetics (formerly Invitae), Labcorp
Classification: Uncertain significance for Majeed syndrome. Last evaluated: 2021-11-22. Review status: criteria provided, single submitter. Criteria: Invitae Variant Classification Sherloc (09022015). Collection method: clinical testing. Allele origin: germline.
Comment: This variant has not been reported in the literature in individuals affected with LPIN2-related conditions. In summary, the available evidence is currently insufficient to determine the role of this variant in disease. Therefore, it has been classified as a Variant of Uncertain Significance. Algorithms developed to predict the effect of missense changes on protein structure and function (SIFT, PolyPhen-2, Align-GVGD) all suggest that this variant is likely to be tolerated. This variant is not present in population databases (gnomAD no frequency). This sequence change replaces glycine, which is neutral and non-polar, with arginine, which is basic and polar, at codon 333 of the LPIN2 protein (p.Gly333Arg).

NM_001375808.2(LPIN2):c.997G>C (p.Gly333Arg)

Gene: LPIN2 (lipin 2; minus strand). Cytogenetic location: 18p11.31.
Variant type: single nucleotide variant.
Coding change: c.997G>C on transcript NM_001375808.2 (MANE Select); coding-DNA position 997, G replaced by C.
Protein change: p.Gly333Arg; replaces glycine 333 with arginine.
Molecular consequence: missense variant.
Genome position (GRCh38, 1-based): chr18:2,937,863, C>G on the plus strand (G>C on the coding strand, the complement: LPIN2 is on the minus strand). VCF-style: chr18-2937863-C-G. GRCh37 (hg19) VCF-style: chr18-2937861-C-G.
Other names: c.997G>C, p.Gly333Arg (NM_001375809.1, NM_014646.2); short protein forms G333R.
Identifiers: ClinVar variation 1500716 (VCV001500716.4), dbSNP rs531715581, ClinGen allele CA8873234.
Genomic context (GRCh38, chr18:2,937,863, plus strand): 5'-TACTCTCAAGAGGAGGTTCGAGAAGCTCTGCCACAGATGTTGGGTCGCTCATCTGTGTAC[C>G]CAGGGCTCTGGGTTTGGGCTTCACTATGGTACAGACAGTGTCTTCCATGGAAGCATCCTT-3'
Protein context (NP_001362737.1, residues 323-343): TIVKPKPRAL[Gly333Arg]TQMSDPTSVA